The following is an entry in ClinVar:

NM_014686.5(GARRE1):c.2222T>C (p.Ile741Thr)

Gene: GARRE1 (granule associated Rac and RHOG effector 1; plus strand). Cytogenetic location: 19q13.11.
Variant type: single nucleotide variant.
Coding change: c.2222T>C on transcript NM_014686.5 (MANE Select); coding-DNA position 2222, T replaced by C.
Protein change: p.Ile741Thr; replaces isoleucine 741 with threonine.
Molecular consequence: missense variant.
Genome position (GRCh38, 1-based): chr19:34,342,156, T>C. VCF-style: chr19-34342156-T-C. GRCh37 (hg19) VCF-style: chr19-34833061-T-C.
Other names: short protein forms I741T.
Identifiers: ClinVar variation 4681309 (VCV004681309.5).
Genomic context (GRCh38, chr19:34,342,156, plus strand): 5'-AGCAGTCCCCAAAGCAGCAACAACCTCAAGTCCAATACTACCAACACCTACTCCAGCCCA[T>C]TGGACCGCAGCAGCCCCCGCCCCAGCCTCGGGCACCTGGGAAATGGGTACATGGCTCATC-3'
Protein context (NP_055501.2, residues 731-751): VQYYQHLLQP[Ile741Thr]GPQQPPPQPR

ClinVar aggregate classification (germline): Likely benign (1 of 4 stars; one submission).

gnomAD v4.1: 2,236 of 1,614,078 alleles (0.14%); highest among the groups gnomAD compares: Middle Eastern, 0.3%; 12 homozygotes.

Submission:

CeGaT Center for Human Genetics Tuebingen
Classification: Likely benign. Last evaluated: 2025-12-01. Review status: criteria provided, single submitter. Criteria: CeGaT Center For Human Genetics Tuebingen Variant Classification Criteria Version 2. Collection method: clinical testing. Allele origin: germline. Affected: yes. Observed: 1 variant allele.
Comment: GARRE1: BP4, BS2